The following is an entry in ClinVar:

ClinVar aggregate classification (germline): Uncertain significance. Review status: criteria provided, multiple submitters, no conflicts (2 of 4 stars). 2 submissions from 2 submitters: Uncertain significance (2). Last evaluated 2024-08-22.

gnomAD v4.1: 2 of 1,608,376 alleles (0.00012%); highest among the groups gnomAD compares: Non-Finnish European, 0.000085%; no homozygotes.

Submissions (2):

Labcorp Genetics (formerly Invitae), Labcorp
Classification: Uncertain significance. Last evaluated: 2024-08-22. Review status: criteria provided, single submitter. Criteria: Invitae Variant Classification Sherloc (09022015). Collection method: clinical testing. Allele origin: germline.
Comment: This sequence change replaces aspartic acid, which is acidic and polar, with glutamic acid, which is acidic and polar, at codon 413 of the COL9A3 protein (p.Asp413Glu). This variant is present in population databases (rs750178713, gnomAD 0.002%). This variant has not been reported in the literature in individuals affected with COL9A3-related conditions. ClinVar contains an entry for this variant (Variation ID: 1004563). Invitae Evidence Modeling of protein sequence and biophysical properties (such as structural, functional, and spatial information, amino acid conservation, physicochemical variation, residue mobility, and thermodynamic stability) indicates that this missense variant is not expected to disrupt COL9A3 protein function with a negative predictive value of 95%. In summary, the available evidence is currently insufficient to determine the role of this variant in disease. Therefore, it has been classified as a Variant of Uncertain Significance.

Blueprint Genetics
Classification: Uncertain significance. Last evaluated: 2023-07-12. Review status: criteria provided, single submitter. Criteria: ACMG Guidelines, 2015. Collection method: clinical testing. Allele origin: germline.

NM_001853.4(COL9A3):c.1239C>A (p.Asp413Glu)

Gene: COL9A3 (collagen type IX alpha 3 chain; plus strand). Cytogenetic location: 20q13.33.
Variant type: single nucleotide variant.
Coding change: c.1239C>A on transcript NM_001853.4 (MANE Select); coding-DNA position 1239, C replaced by A.
Protein change: p.Asp413Glu; replaces aspartic acid 413 with glutamic acid.
Molecular consequence: missense variant.
Genome position (GRCh38, 1-based): chr20:62,830,540, C>A. VCF-style: chr20-62830540-C-A. GRCh37 (hg19) VCF-style: chr20-61461892-C-A.
Other names: short protein forms D413E.
Identifiers: ClinVar variation 1004563 (VCV001004563.9), dbSNP rs750178713, ClinGen allele CA9949843.
Genomic context (GRCh38, chr20:62,830,540, plus strand): 5'-GGTATGGGCACTGACGAGCCAGGACCTCCTTCCCCAGGGCCAGAAGGGCAGCATGGGAGA[C>A]CCCGGCCTTCCAGGCCCCCAGGGCCTCCGAGGTGACGTGGGCGACCGGGTAAGTGGCCCT-3'
Protein context (NP_001844.3, residues 403-423): GFQGQKGSMG[Asp413Glu]PGLPGPQGLR